The following is an entry in ClinVar:

ClinVar aggregate classification (germline): Uncertain significance. Review status: criteria provided, single submitter (1 of 4 stars). 2 submissions from 2 submitters: Uncertain significance (1). 1 of the submissions does not count toward it. Last evaluated 2022-02-10.

Conditions:
DZIP1L-related disorder. Also called: DZIP1L-related condition.

Allele frequency attached by ClinVar (database versions not stated): gnomAD exomes 0.00016; ExAC 0.00017; ESP Exome Variant Server 0.00031; gnomAD 0.00054 and 0.00056; TOPMed 0.00108; 1000 Genomes Project 0.00140; 1000 Genomes Project 30x 0.00172.
gnomAD v4.1: 287 of 1,611,444 alleles (0.018%); highest among the groups gnomAD compares: Admixed American, 0.11%; 1 homozygote.

Submissions (2):

Labcorp Genetics (formerly Invitae), Labcorp
Classification: Uncertain significance. Last evaluated: 2022-02-10. Review status: criteria provided, single submitter. Criteria: Invitae Variant Classification Sherloc (09022015). Collection method: clinical testing. Allele origin: germline.
Comment: This sequence change replaces arginine, which is basic and polar, with tryptophan, which is neutral and slightly polar, at codon 643 of the DZIP1L protein (p.Arg643Trp). This variant is present in population databases (rs150921263, gnomAD 0.06%). This variant has not been reported in the literature in individuals affected with DZIP1L-related conditions. Algorithms developed to predict the effect of missense changes on protein structure and function output the following: SIFT: "Deleterious"; PolyPhen-2: "Benign"; Align-GVGD: "Class C0". The tryptophan amino acid residue is found in multiple mammalian species, which suggests that this missense change does not adversely affect protein function. In summary, the available evidence is currently insufficient to determine the role of this variant in disease. Therefore, it has been classified as a Variant of Uncertain Significance.

PreventionGenetics, part of Exact Sciences
Classification: Uncertain significance for DZIP1L-related condition. Last evaluated: 2024-01-19. Review status: no assertion criteria provided. Collection method: clinical testing. Allele origin: germline. Not counted in ClinVar's aggregate classification.
Comment: The DZIP1L c.1927C>T variant is predicted to result in the amino acid substitution p.Arg643Trp. To our knowledge, this variant has not been reported in individuals with polycystic kidney disease in the literature. However, this variant was reported in an individual with autism spectrum disorder (de novo in Suppl. Table 2 of Iossifov et al. 2014. PubMed ID: 25363768; de novo in Table S1 of Koire et al. 2021. PubMed ID: 34011629; B:3:137786448:G:A:hg19 in Supplementary Data 1 of Zhou et al. 2022. PubMed ID: 35982159). This variant is reported in 0.064% of alleles in individuals of African descent in gnomAD. Although we suspect that this variant may be benign due to the relatively high allele frequency, at this time, the clinical significance of this variant is uncertain due to the absence of conclusive functional and genetic evidence.

NM_173543.3(DZIP1L):c.1927C>T (p.Arg643Trp)

Gene: DZIP1L (DAZ interacting zinc finger protein 1 like; minus strand). Cytogenetic location: 3q22.3.
Variant type: single nucleotide variant.
Coding change: c.1927C>T on transcript NM_173543.3 (MANE Select); coding-DNA position 1927, C replaced by T.
Protein change: p.Arg643Trp; replaces arginine 643 with tryptophan.
Molecular consequence: missense variant.
Genome position (GRCh38, 1-based): chr3:138,067,606, G>A on the plus strand (C>T on the coding strand, the complement: DZIP1L is on the minus strand). VCF-style: chr3-138067606-G-A. GRCh37 (hg19) VCF-style: chr3-137786448-G-A.
Other names: c.1927C>T (NM_173543.2); short protein forms R643W.
Identifiers: ClinVar variation 1375766 (VCV001375766.5), dbSNP rs150921263, ClinGen allele CA2634726.